The following is an entry in ClinVar:

ClinVar aggregate classification (germline): Uncertain significance (1 of 4 stars; one submission).

Submission:

Labcorp Genetics (formerly Invitae), Labcorp
Classification: Uncertain significance. Last evaluated: 2022-10-27. Review status: criteria provided, single submitter. Criteria: Invitae Variant Classification Sherloc (09022015). Collection method: clinical testing. Allele origin: germline.
Comment: This variant is not present in population databases (gnomAD no frequency). This variant has not been reported in the literature in individuals affected with TAOK2-related conditions. Algorithms developed to predict the effect of missense changes on protein structure and function (SIFT, PolyPhen-2, Align-GVGD) all suggest that this variant is likely to be tolerated. In summary, the available evidence is currently insufficient to determine the role of this variant in disease. Therefore, it has been classified as a Variant of Uncertain Significance. This sequence change replaces serine, which is neutral and polar, with alanine, which is neutral and non-polar, at codon 1228 of the TAOK2 protein (p.Ser1228Ala).

NM_016151.4(TAOK2):c.3682T>G (p.Ser1228Ala)

Gene: TAOK2 (TAO kinase 2; plus strand). Cytogenetic location: 16p11.2.
Variant type: single nucleotide variant.
Coding change: c.3682T>G on transcript NM_016151.4 (MANE Select); coding-DNA position 3682, T replaced by G.
Protein change: p.Ser1228Ala; replaces serine 1228 with alanine.
Molecular consequence: missense variant. On other transcripts: intron variant (1).
Genome position (GRCh38, 1-based): chr16:29,987,954, T>G. VCF-style: chr16-29987954-T-G. GRCh37 (hg19) VCF-style: chr16-29999275-T-G.
Other names: c.3343T>G, p.Ser1115Ala (NM_001252043.2); c.2232+1450T>G (NM_004783.4); short protein forms S1115A, S1228A.
Identifiers: ClinVar variation 2092062 (VCV002092062.4), dbSNP rs2543675124, ClinGen allele CA395502685.
Genomic context (GRCh38, chr16:29,987,954, plus strand): 5'-CCTGCCTCCCGCCAGCCACTGCCAGGGACTCTAGCCGGGCGGAGGTCACGCACCCGCCAG[T>G]CCCGGGCCCTGCCCCCCTGGAGGTAGCTGACTCCAGCCCTTCCAGCCCAAATCTAGAGCA-3'
Protein context (NP_057235.2, residues 1218-1235): LAGRRSRTRQ[Ser1228Ala]RALPPWR